The following is an entry in ClinVar:

NM_000038.6(APC):c.6446A>C (p.His2149Pro)

Gene: APC (APC regulator of Wnt signaling pathway; plus strand). Cytogenetic location: 5q22.2.
Variant type: single nucleotide variant.
Coding change: c.6446A>C on transcript NM_000038.6 (MANE Select); coding-DNA position 6446, A replaced by C.
Protein change: p.His2149Pro; replaces histidine 2149 with proline.
Molecular consequence: missense variant.
Genome position (GRCh38, 1-based): chr5:112,842,040, A>C. VCF-style: chr5-112842040-A-C. GRCh37 (hg19) VCF-style: chr5-112177737-A-C.
Other names: c.6446A>C, p.His2149Pro (NM_001127510.3, NM_001354895.2); c.6392A>C, p.His2131Pro (NM_001127511.3); c.6500A>C, p.His2167Pro (NM_001354896.2); c.6476A>C, p.His2159Pro (NM_001354897.2); c.6371A>C, p.His2124Pro (NM_001354898.2); c.6362A>C, p.His2121Pro (NM_001354899.2); c.6323A>C, p.His2108Pro (NM_001354900.2); c.6269A>C, p.His2090Pro (NM_001354901.2); and 5 more; short protein forms H2131P, H2149P, H2048P, H2167P, H1866P, H1989P, H2124P, H2058P.
Identifiers: ClinVar variation 185017 (VCV000185017.37), dbSNP rs749230730, ClinGen allele CA011185.

ClinVar aggregate classification (germline): Conflicting classifications of pathogenicity. Review status: criteria provided, conflicting classifications (1 of 4 stars). 13 submissions from 13 submitters: Uncertain significance (10); Likely benign (2). 1 of the submissions does not count toward it. Last evaluated 2025-10-31.

Conditions:
Classic or attenuated familial adenomatous polyposis. Identifiers: MedGen CN372698, MONDO:0021057.
Hereditary cancer-predisposing syndrome. Also called: Tumor predisposition; Neoplastic Syndromes, Hereditary; Hereditary neoplastic syndrome; Hereditary Cancer Syndrome. Identifiers: Orphanet 140162, MedGen C0027672, MeSH D009386, MONDO:0015356.
Familial adenomatous polyposis 1 (FAP1). Also called: FAMILIAL ADENOMATOUS POLYPOSIS 1, ATTENUATED; POLYPOSIS, ADENOMATOUS INTESTINAL. Identifiers: MedGen C2713442, MONDO:0021056, OMIM 175100. Disease mechanism: loss of function.

Allele frequency attached by ClinVar (database versions not stated): TOPMed below 0.00001; ExAC 0.00001; gnomAD 0.00001; gnomAD exomes 0.00002.
gnomAD v4.1: 28 of 1,613,294 alleles (0.0017%); highest among the groups gnomAD compares: Non-Finnish European, 0.0024%; no homozygotes.

Submissions (13):

Quest Diagnostics Nichols Institute San Juan Capistrano
Classification: Uncertain significance. Last evaluated: 2025-10-31. Review status: criteria provided, single submitter. Criteria: Quest Diagnostics criteria. Collection method: clinical testing. Allele origin: unknown.
Comment: The APC c.6446A>C (p.His2149Pro) variant has been reported in the published literature in individuals with Familial Adenomatous Polyposis (FAP) (PMID:18199528 (2008)) and colorectal cancer (PMID: 28944238 (2017)). The frequency of this variant in the general population (Genome Aggregation Database) is uninformative in the assessment of its pathogenicity. Analysis of this variant using bioinformatics tools for the prediction of the effect of amino acid changes on protein structure and function yielded predictions that this variant is damaging. Based on the available information, we are unable to determine the clinical significance of this variant.

Center for Genomic Medicine, Rigshospitalet, Copenhagen University Hospital
Classification: Likely benign. Last evaluated: 2025-03-04. Review status: criteria provided, single submitter. Criteria: ACMG Guidelines, 2015. Collection method: clinical testing. Allele origin: germline.

Labcorp Genetics (formerly Invitae), Labcorp
Classification: Uncertain significance for Familial adenomatous polyposis 1. Last evaluated: 2024-12-08. Review status: criteria provided, single submitter. Criteria: Invitae Variant Classification Sherloc (09022015). Collection method: clinical testing. Allele origin: germline.
Comment: This sequence change replaces histidine, which is basic and polar, with proline, which is neutral and non-polar, at codon 2149 of the APC protein (p.His2149Pro). This variant is present in population databases (rs749230730, gnomAD 0.003%). This missense change has been observed in individual(s) with familial adenomatous polyposis, colorectal cancer (PMID: 18199528, 28944238). ClinVar contains an entry for this variant (Variation ID: 185017). Invitae Evidence Modeling of protein sequence and biophysical properties (such as structural, functional, and spatial information, amino acid conservation, physicochemical variation, residue mobility, and thermodynamic stability) indicates that this missense variant is not expected to disrupt APC protein function with a negative predictive value of 95%. In summary, the available evidence is currently insufficient to determine the role of this variant in disease. Therefore, it has been classified as a Variant of Uncertain Significance.

All of Us Research Program, National Institutes of Health
Classification: Uncertain significance for Classic or attenuated familial adenomatous polyposis. Last evaluated: 2024-05-14. Review status: criteria provided, single submitter. Criteria: ACMG Guidelines, 2015. Collection method: clinical testing. Allele origin: germline. Inheritance: Autosomal dominant inheritance. Observed: 11 variant alleles, 11 heterozygotes.
Comment: This missense variant replaces histidine with proline at codon 2149 of the APC protein. Computational prediction suggests that this variant may have deleterious impact on protein structure and function (internally defined REVEL score threshold >= 0.7, PMID: 27666373). To our knowledge, functional studies have not been reported for this variant. This variant has been reported in individuals affected with familial adenomatous polyposis and colorectal cancer cancer in the literature (PMID: 21859464, 28944238). This variant has been identified in 5/281780 chromosomes in the general population by the Genome Aggregation Database (gnomAD). The available evidence is insufficient to determine the role of this variant in disease conclusively. Therefore, this variant is classified as a Variant of Uncertain Significance.

This study involves interpretation of variants in research participants for the purpose of population health screening. Participant phenotype was not available at the time of variant classification. Additional details can be found in publication PMID: 35346344, PMCID: PMC8962531

Color Diagnostics, LLC DBA Color Health
Classification: Uncertain significance for Hereditary cancer-predisposing syndrome. Last evaluated: 2024-01-29. Review status: criteria provided, single submitter. Criteria: ACMG Guidelines, 2015. Collection method: clinical testing. Allele origin: germline.
Comment: This missense variant replaces histidine with proline at codon 2149 of the APC protein. Computational prediction suggests that this variant may have deleterious impact on protein structure and function (internally defined REVEL score threshold >= 0.7, PMID: 27666373). To our knowledge, functional studies have not been reported for this variant. This variant has been reported in individuals affected with familial adenomatous polyposis and colorectal cancer cancer in the literature (PMID: 21859464, 28944238). This variant has been identified in 5/281780 chromosomes in the general population by the Genome Aggregation Database (gnomAD). The available evidence is insufficient to determine the role of this variant in disease conclusively. Therefore, this variant is classified as a Variant of Uncertain Significance.

Women's Health and Genetics/Laboratory Corporation of America, LabCorp
Classification: Uncertain significance. Last evaluated: 2023-12-26. Review status: criteria provided, single submitter. Criteria: LabCorp Variant Classification Summary - May 2015. Collection method: clinical testing. Allele origin: germline.
Comment: Variant summary: APC c.6446A>C (p.His2149Pro) results in a non-conservative amino acid change in the encoded protein sequence. Four of five in-silico tools predict a damaging effect of the variant on protein function. The variant allele was found at a frequency of 1.6e-05 in 252318 control chromosomes. The available data on variant occurrences in the general population are insufficient to allow any conclusion about variant significance. c.6446A>C has been reported in the literature in an individual affected with Familial Adenomatous Polyposis (Azzopardi 2008). These data do not allow any conclusion about variant significance. To our knowledge, no experimental evidence demonstrating an impact on protein function has been reported. The following publications have been ascertained in the context of this evaluation (PMID: 18199528, 21859464). Nine submitters have cited clinical-significance assessments for this variant to ClinVar after 2014 (VUS, n=8; Likely benign, n=1). Based on the evidence outlined above, the variant was classified as uncertain significance.

Baylor Genetics
Classification: Uncertain significance for Familial adenomatous polyposis 1. Last evaluated: 2023-06-23. Review status: criteria provided, single submitter. Criteria: ACMG Guidelines, 2015. Collection method: clinical testing. Allele origin: unknown.

GeneDx
Classification: Uncertain significance. Last evaluated: 2023-04-26. Review status: criteria provided, single submitter. Criteria: GeneDx Variant Classification Process June 2021. Collection method: clinical testing. Allele origin: germline. Affected: yes.
Comment: Not observed at a significant frequency in large population cohorts (gnomAD); In silico analysis supports that this missense variant does not alter protein structure/function; Observed in individuals with adenomatous polyposis or early-onset colorectal cancer (Azzopardi et al., 2008; DeRycke et al., 2017); This variant is associated with the following publications: (PMID: 21859464, 18199528, 28944238)

Myriad Genetics, Inc.
Classification: Uncertain significance for Familial adenomatous polyposis 1. Last evaluated: 2023-02-16. Review status: criteria provided, single submitter. Criteria: Myriad Autosomal Dominant, Autosomal Recessive and X-Linked Classification Criteria (2023). Collection method: clinical testing. Allele origin: unknown.
Comment: This variant is classified as a variant of uncertain significance as there is insufficient evidence to determine its impact on protein function and/or cancer risk.

Ambry Genetics
Classification: Likely benign for Hereditary cancer-predisposing syndrome. Last evaluated: 2022-02-28. Review status: criteria provided, single submitter. Criteria: Ambry Variant Classification Scheme 2023. Collection method: clinical testing. Allele origin: germline.

Blueprint Genetics
Classification: Uncertain significance. Last evaluated: 2021-06-28. Review status: criteria provided, single submitter. Criteria: ACMG Guidelines, 2015. Collection method: clinical testing. Allele origin: germline.

PreventionGenetics, part of Exact Sciences
Classification: Uncertain significance. Last evaluated: 2018-01-10. Review status: criteria provided, single submitter. Criteria: ACMG Guidelines, 2015. Collection method: clinical testing. Allele origin: germline.

Counsyl
Classification: Uncertain significance for Familial adenomatous polyposis 1. Last evaluated: 2018-05-15. Review status: no assertion criteria provided. Collection method: clinical testing. Allele origin: unknown. Not counted in ClinVar's aggregate classification.

Literature cited by the submitters: PubMed 28944238 (cited by 4 submitters); PubMed 18199528 (cited by 5 submitters); PubMed 21859464 (cited by 4 submitters).